The following is an entry in ClinVar:

ClinVar aggregate classification (germline): Uncertain significance. Review status: criteria provided, multiple submitters, no conflicts (2 of 4 stars). 5 submissions from 5 submitters: Uncertain significance (4). 1 of the submissions does not count toward it. Last evaluated 2025-08-03.

Conditions:
Bile acid malabsorption, primary, 1 (PBAM1). Also called: Bile acid malabsorption, primary. Identifiers: MedGen C5561934, MONDO:0013214, OMIM 613291.

Allele frequency attached by ClinVar (database versions not stated): gnomAD 0.00002 and 0.00006; TOPMed 0.00002; gnomAD exomes 0.00005 and 0.00012; ExAC 0.00012; 1000 Genomes Project 0.00040; 1000 Genomes Project 30x 0.00062.
gnomAD v4.1: 91 of 1,614,210 alleles (0.0056%); highest among the groups gnomAD compares: Middle Eastern, 0.066%; 2 homozygotes.

Submissions (5):

Labcorp Genetics (formerly Invitae), Labcorp
Classification: Uncertain significance. Last evaluated: 2025-08-03. Review status: criteria provided, single submitter. Criteria: Invitae Variant Classification Sherloc (09022015). Collection method: clinical testing. Allele origin: germline.
Comment: This sequence change replaces cysteine, which is neutral and slightly polar, with arginine, which is basic and polar, at codon 105 of the SLC10A2 protein (p.Cys105Arg). This variant is present in population databases (rs201206937, gnomAD 0.05%). This missense change has been observed in individual(s) with clinical features of SLC10A2-related conditions (PMID: 34192422). ClinVar contains an entry for this variant (Variation ID: 1030807). Invitae Evidence Modeling of protein sequence and biophysical properties (such as structural, functional, and spatial information, amino acid conservation, physicochemical variation, residue mobility, and thermodynamic stability) indicates that this missense variant is expected to disrupt SLC10A2 protein function with a positive predictive value of 80%. In summary, the available evidence is currently insufficient to determine the role of this variant in disease. Therefore, it has been classified as a Variant of Uncertain Significance.

Genomic Medicine Center of Excellence, King Faisal Specialist Hospital and Research Centre
Classification: Uncertain significance for Bile acid malabsorption, primary, 1. Last evaluated: 2024-03-17. Review status: criteria provided, single submitter. Criteria: ACMG Guidelines, 2015. Collection method: research. Allele origin: germline.

Baylor Genetics
Classification: Uncertain significance for Bile acid malabsorption, primary, 1. Last evaluated: 2019-08-08. Review status: criteria provided, single submitter. Criteria: ACMG Guidelines, 2015. Collection method: clinical testing. Allele origin: unknown. Affected: yes.
Comment: This variant was determined to be of uncertain significance according to ACMG Guidelines, 2015 [PMID:25741868].

Breakthrough Genomics
Classification: Uncertain significance. Review status: criteria provided, single submitter. Criteria: ACMG Guidelines, 2015. Collection method: not provided. Allele origin: germline. Inheritance: Autosomal recessive inheritance. Affected: yes.

OMIM
Classification: Uncertain significance for VARIANT OF UNKNOWN SIGNIFICANCE. Last evaluated: 2022-08-25. Review status: no assertion criteria provided. Collection method: literature only. Allele origin: germline. Not counted in ClinVar's aggregate classification.

Literature cited by the submitters: PubMed 34192422 (cited by Labcorp Genetics (formerly Invitae), Labcorp and OMIM); Hamosh, A. Personal Communication. 2022. Baltimore, Md. (cited by OMIM).

NM_000452.3(SLC10A2):c.313T>C (p.Cys105Arg)

Gene: SLC10A2 (solute carrier family 10 member 2; minus strand). Cytogenetic location: 13q33.1.
Variant type: single nucleotide variant.
Coding change: c.313T>C on transcript NM_000452.3 (MANE Select); coding-DNA position 313, T replaced by C.
Protein change: p.Cys105Arg; replaces cysteine 105 with arginine.
Molecular consequence: missense variant.
Genome position (GRCh38, 1-based): chr13:103,065,937, A>G on the plus strand (T>C on the coding strand, the complement: SLC10A2 is on the minus strand). VCF-style: chr13-103065937-A-G. GRCh37 (hg19) VCF-style: chr13-103718287-A-G.
Other names: SLC10A2, CYS105ARG (rs201206937); short protein forms C105R.
Identifiers: ClinVar variation 1030807 (VCV001030807.10), dbSNP rs201206937, ClinGen allele CA7042285.